The following is an entry in ClinVar:

ClinVar aggregate classification (germline): Benign/Likely benign. Review status: criteria provided, multiple submitters, no conflicts (2 of 4 stars). 8 submissions from 8 submitters: Benign (2); Likely benign (5). 1 of the submissions does not count toward it. Last evaluated 2025-12-20.

Conditions:
XRCC2-related disorder. Also called: XRCC2-related condition.
Hereditary cancer-predisposing syndrome. Also called: Tumor predisposition; Hereditary neoplastic syndrome; Hereditary Cancer Syndrome; Neoplastic Syndromes, Hereditary. Identifiers: Orphanet 140162, MedGen C0027672, MeSH D009386, MONDO:0015356.

Allele frequency attached by ClinVar (database versions not stated): gnomAD exomes 0.00005 and 0.00011; ExAC 0.00007; gnomAD 0.00008; TOPMed 0.00009.
gnomAD v4.1: 105 of 1,613,970 alleles (0.0065%); highest among the groups gnomAD compares: Middle Eastern, 0.016%; no homozygotes.

Submissions (8):

Labcorp Genetics (formerly Invitae), Labcorp
Classification: Likely benign. Last evaluated: 2025-12-20. Review status: criteria provided, single submitter. Criteria: Invitae Variant Classification Sherloc (09022015). Collection method: clinical testing. Allele origin: germline.

Blueprint Genetics
Classification: Likely benign. Last evaluated: 2024-04-29. Review status: criteria provided, single submitter. Criteria: ACMG Guidelines, 2015. Collection method: clinical testing. Allele origin: germline.

CeGaT Center for Human Genetics Tuebingen
Classification: Likely benign. Last evaluated: 2024-04-01. Review status: criteria provided, single submitter. Criteria: CeGaT Center For Human Genetics Tuebingen Variant Classification Criteria Version 2. Collection method: clinical testing. Allele origin: germline. Affected: yes. Observed: 3 variant alleles.
Comment: XRCC2: BP4, BP7

Quest Diagnostics Nichols Institute San Juan Capistrano
Classification: Benign. Last evaluated: 2022-04-07. Review status: criteria provided, single submitter. Criteria: Quest Diagnostics criteria. Collection method: clinical testing. Allele origin: unknown.

Sema4
Classification: Likely benign for Hereditary cancer-predisposing syndrome. Last evaluated: 2021-05-18. Review status: criteria provided, single submitter. Criteria: Sema4 Curation Guidelines. Collection method: curation. Allele origin: germline.

Ambry Genetics
Classification: Likely benign for Hereditary cancer-predisposing syndrome. Last evaluated: 2017-03-02. Review status: criteria provided, single submitter. Criteria: Ambry Variant Classification Scheme 2023. Collection method: clinical testing. Allele origin: germline.

GeneDx
Classification: Benign. Last evaluated: 2014-04-24. Review status: criteria provided, single submitter. Criteria: GeneDx Variant Classification (06012015). Collection method: clinical testing. Allele origin: germline. Affected: yes.
Comment: This variant is considered likely benign or benign based on one or more of the following criteria: it is a conservative change, it occurs at a poorly conserved position in the protein, it is predicted to be benign by multiple in silico algorithms, and/or has population frequency not consistent with disease.

PreventionGenetics, part of Exact Sciences
Classification: Likely benign for XRCC2-related condition. Last evaluated: 2023-06-13. Review status: no assertion criteria provided. Collection method: clinical testing. Allele origin: germline. Not counted in ClinVar's aggregate classification.
Comment: This variant is classified as likely benign based on ACMG/AMP sequence variant interpretation guidelines (Richards et al. 2015 PMID: 25741868, with internal and published modifications).

NM_005431.2(XRCC2):c.477C>T (p.Arg159=)

Gene: XRCC2 (X-ray repair cross complementing 2; minus strand). Cytogenetic location: 7q36.1.
Variant type: single nucleotide variant.
Coding change: c.477C>T on transcript NM_005431.2 (MANE Select); coding-DNA position 477, C replaced by T.
Protein change: p.Arg159=; no amino-acid change (arginine 159 retained).
Molecular consequence: synonymous variant.
Genome position (GRCh38, 1-based): chr7:152,649,008, G>A on the plus strand (C>T on the coding strand, the complement: XRCC2 is on the minus strand). VCF-style: chr7-152649008-G-A. GRCh37 (hg19) VCF-style: chr7-152346093-G-A.
Other names: p.R159R:CGC>CGT.
Identifiers: ClinVar variation 137932 (VCV000137932.44), dbSNP rs202226401, ClinGen allele CA291648.